The following is an entry in ClinVar:

ClinVar aggregate classification (germline): Uncertain significance (1 of 4 stars; one submission).

Conditions:
Cardiomyopathy (CMYO). Also called: Cardiomyopathies. Identifiers: Orphanet 167848, MedGen C0878544, MONDO:0004994, HP:0001638. Inheritance: Various modes of inheritance.

Submission:

Color Diagnostics, LLC DBA Color Health
Classification: Uncertain significance for Cardiomyopathy. Last evaluated: 2019-02-16. Review status: criteria provided, single submitter. Criteria: ACMG Guidelines, 2015. Collection method: clinical testing. Allele origin: germline.
Comment: Variant of Uncertain Significance due to insufficient evidence: This missense variant replaces serine with phenylalanine at codon 2 of the TNNT2 protein. Computational prediction tools and conservation analyses suggest that this variant may have deleterious impact on the protein function. Computational splicing tools suggest that this variant may not impact RNA splicing. To our knowledge, functional assays have not been performed for this variant nor has this variant been reported in individuals affected with cardiovascular disorders in the literature. This variant is rare in the general population and has been identified in 0/277264 chromosomes by the Genome Aggregation Database (gnomAD). Available evidence is insufficient to determine the role of this variant in disease conclusively.

NM_001276345.2(TNNT2):c.5C>T (p.Ser2Phe)

Gene: TNNT2 (troponin T2, cardiac type; minus strand). Cytogenetic location: 1q32.1.
Variant type: single nucleotide variant.
Coding change: c.5C>T on transcript NM_001276345.2 (MANE Select); coding-DNA position 5, C replaced by T.
Protein change: p.Ser2Phe; replaces serine 2 with phenylalanine.
Molecular consequence: missense variant.
Genome position (GRCh38, 1-based): chr1:201,373,250, G>A on the plus strand (C>T on the coding strand, the complement: TNNT2 is on the minus strand). VCF-style: chr1-201373250-G-A. GRCh37 (hg19) VCF-style: chr1-201342378-G-A.
Other names: c.5C>T, p.Ser2Phe (NM_000364.4, NM_001001430.3, NM_001001431.3 and 3 more transcripts); short protein forms S2F.
Identifiers: ClinVar variation 924318 (VCV000924318.3), dbSNP rs981844273, ClinGen allele CA35432771.